The following is an entry in ClinVar:

NM_145038.5(DRC1):c.427G>T (p.Glu143Ter)

Gene: DRC1 (dynein regulatory complex subunit 1; plus strand). Cytogenetic location: 2p23.3.
Variant type: single nucleotide variant.
Coding change: c.427G>T on transcript NM_145038.5 (MANE Select); coding-DNA position 427, G replaced by T.
Protein change: p.Glu143Ter; replaces glutamic acid 143 with a stop codon.
Molecular consequence: nonsense.
Genome position (GRCh38, 1-based): chr2:26,424,341, G>T. VCF-style: chr2-26424341-G-T. GRCh37 (hg19) VCF-style: chr2-26647209-G-T.
Other names: short protein forms E143*.
Identifiers: ClinVar variation 1075022 (VCV001075022.2), dbSNP rs1663226917, ClinGen allele CA346099064.
Genomic context (GRCh38, chr2:26,424,341, plus strand): 5'-CTGGAGAATGAAGTTAAGACCAGCCAGGACAAATTCGATGAAATCACCTCAAAGTGGGAA[G>T]AGGGCAAGCAGAAGAGAATTCCCCAAGAGCTGTGGGAAATGCTCAATACCCAACAGCTGC-3'

ClinVar aggregate classification (germline): Pathogenic (1 of 4 stars; one submission).

Conditions:
Primary ciliary dyskinesia. Also called: Ciliary dyskinesia. Identifiers: Orphanet 244, MedGen C0008780, MONDO:0016575, HP:0012265.

Submission:

Labcorp Genetics (formerly Invitae), Labcorp
Classification: Pathogenic for Primary ciliary dyskinesia. Last evaluated: 2020-07-31. Review status: criteria provided, single submitter. Criteria: Invitae Variant Classification Sherloc (09022015). Collection method: clinical testing. Allele origin: germline.
Comment: This sequence change creates a premature translational stop signal (p.Glu143*) in the DRC1 gene. It is expected to result in an absent or disrupted protein product. This variant is not present in population databases (ExAC no frequency). This variant has not been reported in the literature in individuals with DRC1-related conditions. Loss-of-function variants in DRC1 are known to be pathogenic (PMID: 23354437, 31960620). For these reasons, this variant has been classified as Pathogenic.

Literature cited by the submitters: PubMed 23354437; PubMed 31960620.